The following is an entry in ClinVar:

NM_001042492.3(NF1):c.7851G>A (p.Ala2617=)

Gene: NF1 (neurofibromin 1; plus strand). Cytogenetic location: 17q11.2.
Variant type: single nucleotide variant.
Coding change: c.7851G>A on transcript NM_001042492.3 (MANE Select); coding-DNA position 7851, G replaced by A.
Protein change: p.Ala2617=; no amino-acid change (alanine 2617 retained).
Molecular consequence: synonymous variant.
Genome position (GRCh38, 1-based): chr17:31,357,072, G>A. VCF-style: chr17-31357072-G-A. GRCh37 (hg19) VCF-style: chr17-29684090-G-A.
Other names: c.7788G>A, p.Ala2596= (NM_000267.4).
Identifiers: ClinVar variation 185979 (VCV000185979.15), dbSNP rs751273275, ClinGen allele CA193549.
Genomic context (GRCh38, chr17:31,357,072, plus strand): 5'-AGTGTCTGAATCAAATGTTCTCTTGGATGAAGAAGTACTTACTGATCCGAAGATCCAGGC[G>A]CTGCTTCTTACTGTTCTAGTAAGGATTTCCCCTTTTTGAGTCCCCCACCCTCAAATTTTT-3'
Protein context (NP_001035957.1, residues 2607-2627): EEVLTDPKIQ[Ala2617=]LLLTVLATLV

ClinVar aggregate classification (germline): Benign/Likely benign. Review status: criteria provided, multiple submitters, no conflicts (2 of 4 stars). 5 submissions from 5 submitters: Benign (1); Likely benign (4). Last evaluated 2026-05-22.

Conditions:
Hereditary cancer-predisposing syndrome. Also called: Tumor predisposition; Hereditary neoplastic syndrome; Neoplastic Syndromes, Hereditary; Hereditary Cancer Syndrome. Identifiers: Orphanet 140162, MedGen C0027672, MeSH D009386, MONDO:0015356.
Neurofibromatosis, type 1 (NF1). Also called: Neurofibromatosis, type I; NEUROFIBROMATOSIS, TYPE I, SOMATIC; VON RECKLINGHAUSEN DISEASE; Peripheral type neurofibromatosis. Identifiers: Orphanet 636, MedGen C0027831, MONDO:0018975, OMIM 162200. Disease mechanism: loss of function.

gnomAD v4.1: 8 of 1,613,540 alleles (0.0005%); highest among the groups gnomAD compares: Middle Eastern, 0.016%; no homozygotes.

Submissions (5):

Myriad Genetics, Inc.
Classification: Benign for Neurofibromatosis, type 1. Last evaluated: 2026-05-22. Review status: criteria provided, single submitter. Criteria: Myriad Autosomal Dominant, Autosomal Recessive and X-Linked Classification Criteria (2023). Collection method: clinical testing. Allele origin: unknown.
Comment: This variant is considered benign. This variant is a silent/synonymous amino acid change and it is not expected to impact splicing.

Labcorp Genetics (formerly Invitae), Labcorp
Classification: Likely benign for Neurofibromatosis, type 1. Last evaluated: 2026-01-20. Review status: criteria provided, single submitter. Criteria: Invitae Variant Classification Sherloc (09022015). Collection method: clinical testing. Allele origin: germline.

Genome-Nilou Lab
Classification: Likely benign for Neurofibromatosis, type 1. Last evaluated: 2022-03-15. Review status: criteria provided, single submitter. Criteria: ACMG Guidelines, 2015. Collection method: clinical testing. Allele origin: germline. Affected: no.

Sema4
Classification: Likely benign for Hereditary cancer-predisposing syndrome. Last evaluated: 2022-03-15. Review status: criteria provided, single submitter. Criteria: Sema4 Curation Guidelines. Collection method: curation. Allele origin: germline.

Ambry Genetics
Classification: Likely benign for Hereditary cancer-predisposing syndrome. Last evaluated: 2014-08-15. Review status: criteria provided, single submitter. Criteria: Ambry Autosomal Dominant and X-Linked criteria (10/2015). Collection method: clinical testing. Allele origin: germline. Observed: 1 variant allele.